The following is an entry in ClinVar:

NM_004656.4(BAP1):c.1117-5_1117-4delinsGT

Gene: BAP1 (BRCA1 associated deubiquitinase 1; minus strand). Cytogenetic location: 3p21.1.
Variant type: Indel.
Coding change: c.1117-5_1117-4delinsGT on transcript NM_004656.4 (MANE Select); 5 bases into the intron before coding-DNA position 1117 through 4 bases into the intron before coding-DNA position 1117, CC replaced by GT.
Molecular consequence: intron variant.
Genome position (GRCh38, 1-based): chr3:52,404,590-52,404,591, GG replaced by AC on the plus strand (CC replaced by GT on the coding strand, the reverse complement: BAP1 is on the minus strand). VCF-style: chr3-52404590-GG-AC. GRCh37 (hg19) VCF-style: chr3-52438606-GG-AC.
Other names: c.1063-5_1063-4delinsGT (NM_001410772.1).
Identifiers: ClinVar variation 4194729 (VCV004194729.1).
Genomic context (GRCh38, chr3:52,404,590, plus strand): 5'-GGGTGGGCGGACTGGAACTCGGCTGCGGCCCACACCTGCCGCCAGGTCTTCTTCCTCCTG[GG>AC]ACAAAGACCAGGGCAGTTACAAACAAGTGCTGCTCGGCCCAGGCTGAGCCTAGACACTCA-3'

ClinVar aggregate classification (germline): Uncertain significance (1 of 4 stars; one submission).

Conditions:
Hereditary cancer-predisposing syndrome. Also called: Neoplastic Syndromes, Hereditary; Tumor predisposition; Hereditary Cancer Syndrome; Hereditary neoplastic syndrome. Identifiers: Orphanet 140162, MedGen C0027672, MeSH D009386, MONDO:0015356.

Submission:

Ambry Genetics
Classification: Uncertain significance for Hereditary cancer-predisposing syndrome. Last evaluated: 2025-08-13. Review status: criteria provided, single submitter. Criteria: Ambry Variant Classification Scheme 2023. Collection method: clinical testing. Allele origin: germline.
Comment: The c.1117-5_1117-4delCCinsGT intronic variant begins 4 nucleotides before coding exon 12 in the BAP1 gene. This variant results from a deletion of 2 nucleotides at positions c.1117-5 to c.1117-4. This nucleotide region is not well conserved in available vertebrate species. In silico splice site analysis predicts that this alteration will not have any significant effect on splicing. Based on the available evidence, the clinical significance of this variant remains unclear.